The following is an entry in ClinVar:

ClinVar aggregate classification (germline): Uncertain significance (1 of 4 stars; one submission).

Allele frequency attached by ClinVar (database versions not stated): gnomAD 0.00001.
gnomAD v4.1: 6 of 1,613,264 alleles (0.00037%); highest among the groups gnomAD compares: East Asian, 0.0022%; no homozygotes.

Submission:

Labcorp Genetics (formerly Invitae), Labcorp
Classification: Uncertain significance. Last evaluated: 2022-08-13. Review status: criteria provided, single submitter. Criteria: Invitae Variant Classification Sherloc (09022015). Collection method: clinical testing. Allele origin: germline.
Comment: This sequence change replaces valine, which is neutral and non-polar, with glycine, which is neutral and non-polar, at codon 4 of the COX6A1 protein (p.Val4Gly). This variant is present in population databases (no rsID available, gnomAD 0.007%). This variant has not been reported in the literature in individuals affected with COX6A1-related conditions. Algorithms developed to predict the effect of missense changes on protein structure and function output the following: SIFT: "Deleterious"; PolyPhen-2: "Not Available"; Align-GVGD: "Class C0". The glycine amino acid residue is found in multiple mammalian species, which suggests that this missense change does not adversely affect protein function. Algorithms developed to predict the effect of sequence changes on RNA splicing suggest that this variant may create or strengthen a splice site. In summary, the available evidence is currently insufficient to determine the role of this variant in disease. Therefore, it has been classified as a Variant of Uncertain Significance.

NM_004373.4(COX6A1):c.11T>G (p.Val4Gly)

Gene: COX6A1 (cytochrome c oxidase subunit 6A1; plus strand). Cytogenetic location: 12q24.31.
Variant type: single nucleotide variant.
Coding change: c.11T>G on transcript NM_004373.4 (MANE Select); coding-DNA position 11, T replaced by G.
Protein change: p.Val4Gly; replaces valine 4 with glycine.
Molecular consequence: missense variant.
Genome position (GRCh38, 1-based): chr12:120,438,137, T>G. VCF-style: chr12-120438137-T-G. GRCh37 (hg19) VCF-style: chr12-120875940-T-G.
Other names: short protein forms V4G.
Identifiers: ClinVar variation 1933913 (VCV001933913.2), dbSNP rs1180110277, ClinGen allele CA386567825.
Genomic context (GRCh38, chr12:120,438,137, plus strand): 5'-GAGCCAATTTTCCACTTCCGCTTCCGGCGCTGCGGCAGTCCAGATCAAAAATGGCGGTAG[T>G]TGGTGTGTCCTCGGTTTCTCGGCTGCTGGGTCGGTCCCGCCCACAGCTGGGGCGGCCTAT-3'
Protein context (NP_004364.2, residues 1-14): MAV[Val4Gly]GVSSVSRLLG